The following is an entry in ClinVar:

ClinVar aggregate classification (germline): Likely benign (0 of 4 stars; one submission).

Conditions:
ADCY6-related disorder. Also called: ADCY6-related condition.

Allele frequency attached by ClinVar (database versions not stated): gnomAD exomes 0.00003; TOPMed 0.00004; gnomAD 0.00006; ExAC 0.00008; 1000 Genomes Project 30x 0.00031; 1000 Genomes Project 0.00040.
gnomAD v4.1: 63 of 1,614,100 alleles (0.0039%); highest among the groups gnomAD compares: South Asian, 0.034%; 2 homozygotes.

Submission:

PreventionGenetics, part of Exact Sciences
Classification: Likely benign for ADCY6-related condition. Last evaluated: 2019-04-23. Review status: no assertion criteria provided. Collection method: clinical testing. Allele origin: germline.
Comment: This variant is classified as likely benign based on ACMG/AMP sequence variant interpretation guidelines (Richards et al. 2015 PMID: 25741868, with internal and published modifications).

NM_015270.5(ADCY6):c.1032G>A (p.Ser344=)

Gene: ADCY6 (adenylate cyclase 6; minus strand). Cytogenetic location: 12q13.12.
Variant type: single nucleotide variant.
Coding change: c.1032G>A on transcript NM_015270.5 (MANE Select); coding-DNA position 1032, G replaced by A.
Protein change: p.Ser344=; no amino-acid change (serine 344 retained).
Molecular consequence: synonymous variant. On other transcripts: non-coding transcript variant (1).
Genome position (GRCh38, 1-based): chr12:48,777,719, C>T on the plus strand (G>A on the coding strand, the complement: ADCY6 is on the minus strand). VCF-style: chr12-48777719-C-T. GRCh37 (hg19) VCF-style: chr12-49171502-C-T.
Other names: c.1032G>A, p.Ser344= (NM_001390830.1, NM_001390831.2, NM_001412819.1 and 3 more transcripts).
Identifiers: ClinVar variation 3058051 (VCV003058051.2), dbSNP rs541746900, ClinGen allele CA6541421.